The following is an entry in ClinVar:

NM_016360.4(TACO1):c.327A>G (p.Leu109=)

Gene: TACO1 (translational activator of cytochrome c oxidase I; plus strand). Cytogenetic location: 17q23.3.
Variant type: single nucleotide variant.
Coding change: c.327A>G on transcript NM_016360.4 (MANE Select); coding-DNA position 327, A replaced by G.
Protein change: p.Leu109=; no amino-acid change (leucine 109 retained).
Molecular consequence: synonymous variant.
Genome position (GRCh38, 1-based): chr17:63,604,580, A>G. VCF-style: chr17-63604580-A-G. GRCh37 (hg19) VCF-style: chr17-61681940-A-G.
Identifiers: ClinVar variation 516716 (VCV000516716.36), dbSNP rs149794197, ClinGen allele CA8702103.

ClinVar aggregate classification (germline): Benign/Likely benign. Review status: criteria provided, multiple submitters, no conflicts (2 of 4 stars). 5 submissions from 5 submitters: Benign (1); Likely benign (3). 1 of the submissions does not count toward it. Last evaluated 2026-01-11.

Conditions:
TACO1-related disorder. Also called: TACO1-related condition.
Mitochondrial complex IV deficiency, nuclear type 8. Also called: Mitochondrial complex 4 deficiency, nuclear type 8. Identifiers: MedGen C5436689, MONDO:0033638, OMIM 619052.

Allele frequency attached by ClinVar (database versions not stated): gnomAD 0.00006 and 0.00009; TOPMed 0.00008; gnomAD exomes 0.00026 and 0.00038; ESP Exome Variant Server 0.00031; 1000 Genomes Project 0.00040; ExAC 0.00040; 1000 Genomes Project 30x 0.00047.
gnomAD v4.1: 384 of 1,614,134 alleles (0.024%); highest among the groups gnomAD compares: South Asian, 0.24%; 5 homozygotes.

Submissions (5):

Labcorp Genetics (formerly Invitae), Labcorp
Classification: Benign. Last evaluated: 2026-01-11. Review status: criteria provided, single submitter. Criteria: Invitae Variant Classification Sherloc (09022015). Collection method: clinical testing. Allele origin: germline.

CeGaT Center for Human Genetics Tuebingen
Classification: Likely benign. Last evaluated: 2023-02-01. Review status: criteria provided, single submitter. Criteria: CeGaT Center For Human Genetics Tuebingen Variant Classification Criteria Version 2. Collection method: clinical testing. Allele origin: germline. Affected: yes. Observed: 1 variant allele.
Comment: TACO1: BP4, BP7

Fulgent Genetics
Classification: Likely benign for Mitochondrial complex IV deficiency, nuclear type 8. Last evaluated: 2021-07-22. Review status: criteria provided, single submitter. Criteria: ACMG Guidelines, 2015. Collection method: clinical testing. Allele origin: unknown.

GeneDx
Classification: Likely benign. Last evaluated: 2020-07-30. Review status: criteria provided, single submitter. Criteria: GeneDx Variant Classification Process June 2021. Collection method: clinical testing. Allele origin: germline. Affected: yes.

PreventionGenetics, part of Exact Sciences
Classification: Likely benign for TACO1-related condition. Last evaluated: 2020-03-09. Review status: no assertion criteria provided. Collection method: clinical testing. Allele origin: germline. Not counted in ClinVar's aggregate classification.
Comment: This variant is classified as likely benign based on ACMG/AMP sequence variant interpretation guidelines (Richards et al. 2015 PMID: 25741868, with internal and published modifications).